The following is an entry in ClinVar:

NM_015102.5(NPHP4):c.641del (p.Ile214fs)

Gene: NPHP4 (nephrocystin 4; minus strand). Cytogenetic location: 1p36.31.
Variant type: Deletion.
Coding change: c.641del on transcript NM_015102.5 (MANE Select); coding-DNA position 641, one base deleted (T; older notation c.641delT).
Protein change: p.Ile214fs; shifts the reading frame from isoleucine 214.
Molecular consequence: frameshift variant. On other transcripts: 5 prime UTR variant (2), non-coding transcript variant (1).
Genome position (GRCh38, 1-based): chr1:5,961,826, A deleted on the plus strand (T on the coding strand, the reverse complement: NPHP4 is on the minus strand). VCF-style (leftmost placement, unchanged base first): chr1-5961825-TA-T. GRCh37 (hg19) VCF-style: chr1-6021885-TA-T.
Other names: c.-589del (NM_001291593.2); c.-726del (NM_001291594.2); c.641delT (NM_015102.5); short protein forms I214fs.
Identifiers: ClinVar variation 3900025 (VCV003900025.1).

ClinVar aggregate classification (germline): Pathogenic (1 of 4 stars; one submission).

Conditions:
Nephronophthisis 4 (NPHP4). Also called: NEPHRONOPHTHISIS 4, JUVENILE. Identifiers: Orphanet 655, MedGen C1847013, MONDO:0011752, OMIM 606966.

Submission:

Gharavi Laboratory, Columbia University
Classification: Pathogenic for Nephronophthisis 4. Last evaluated: 2024-11-05. Review status: criteria provided, single submitter. Criteria: ACMG Guidelines, 2015. Collection method: case-control. Allele origin: germline. Affected: yes.
Comment: Compound heterozygote with NM_015102.5:c.3272delT

ENST00000378156